The following is an entry in ClinVar:

NM_001130823.3(DNMT1):c.823A>G (p.Lys275Glu)

Gene: DNMT1 (DNA methyltransferase 1; minus strand). Cytogenetic location: 19p13.2.
Variant type: single nucleotide variant.
Coding change: c.823A>G on transcript NM_001130823.3 (MANE Select); coding-DNA position 823, A replaced by G.
Protein change: p.Lys275Glu; replaces lysine 275 with glutamic acid.
Molecular consequence: missense variant.
Genome position (GRCh38, 1-based): chr19:10,166,666, T>C on the plus strand (A>G on the coding strand, the complement: DNMT1 is on the minus strand). VCF-style: chr19-10166666-T-C. GRCh37 (hg19) VCF-style: chr19-10277342-T-C.
Other names: c.775A>G, p.Lys259Glu (NM_001318730.2, NM_001379.4); c.460A>G, p.Lys154Glu (NM_001318731.2); short protein forms K154E, K259E, K275E.
Identifiers: ClinVar variation 2781264 (VCV002781264.3), dbSNP rs2038700568, ClinGen allele CA403942149.
Genomic context (GRCh38, chr19:10,166,666, plus strand): 5'-CTCCATCTTCGTCCTCGTCAGCCTGCACGCCTGCCCTGGCTTCTCTGTCCGGCTCCTCCT[T>C]CAGTTTCTGTTTGGGTGTTCTGTCACAGAAGACAACACACACACAGGCTGGTCAGCTCGG-3'
Protein context (NP_001124295.1, residues 265-285): TKEPTPKQKL[Lys275Glu]EEPDREARAG

ClinVar aggregate classification (germline): Uncertain significance (1 of 4 stars; one submission).

Conditions:
Hereditary sensory neuropathy-deafness-dementia syndrome. Also called: Hereditary sensory neuropathy type IE; HSN IE; NEUROPATHY, HEREDITARY SENSORY, WITH HEARING LOSS AND DEMENTIA; Hereditary Sensory and Autonomic Neuropathy Type 1E (HSAN1E). Identifiers: Orphanet 456318, MedGen C3279885, MONDO:0013584, OMIM 614116.

Allele frequency attached by ClinVar (database versions not stated): gnomAD exomes below 0.00001; TOPMed below 0.00001.
gnomAD v4.1: 4 of 1,614,174 alleles (0.00025%); highest among the groups gnomAD compares: Non-Finnish European, 0.00025%; no homozygotes.

Submission:

Labcorp Genetics (formerly Invitae), Labcorp
Classification: Uncertain significance for Hereditary sensory neuropathy-deafness-dementia syndrome. Last evaluated: 2025-05-22. Review status: criteria provided, single submitter. Criteria: Invitae Variant Classification Sherloc (09022015). Collection method: clinical testing. Allele origin: germline.
Comment: This sequence change replaces lysine, which is basic and polar, with glutamic acid, which is acidic and polar, at codon 275 of the DNMT1 protein (p.Lys275Glu). This variant is not present in population databases (gnomAD no frequency). This variant has not been reported in the literature in individuals affected with DNMT1-related conditions. ClinVar contains an entry for this variant (Variation ID: 2781264). An algorithm developed to predict the effect of missense changes on protein structure and function outputs the following: PolyPhen-2: "Benign". The glutamic acid amino acid residue is found in multiple mammalian species, which suggests that this missense change does not adversely affect protein function. In summary, the available evidence is currently insufficient to determine the role of this variant in disease. Therefore, it has been classified as a Variant of Uncertain Significance.